The following is an entry in ClinVar:

NC_012920.1(MT-TT):m.15897G>A

Gene: MT-TT (mitochondrially encoded tRNA threonine; plus strand).
Variant type: single nucleotide variant.
Genome position: chrM-15897-G-A.
Identifiers: ClinVar variation 690220 (VCV000690220.1), dbSNP rs1603225575, ClinGen allele CA913175148.
Genomic context (GRCh38, chrMT:15,897, plus strand): 5'-TCCTAATACCAACTATCTCCCTAATTGAAAACAAAATACTCAAATGGGCCTGTCCTTGTA[G>A]TATAAACTAATACACCAGTCTTGTAAACCGGAGATGAAAACCTTTTTCCAAGGACAAATC-3'

ClinVar aggregate classification (germline): Uncertain significance (1 of 4 stars; one submission).

Conditions:
MELAS syndrome (MELAS). Also called: Juvenile myopathy, encephalopathy, lactic acidosis, stroke. Identifiers: Orphanet 550, MedGen C0162671, MONDO:0010789, OMIM 540000.

Submission:

Wong Mito Lab, Molecular and Human Genetics, Baylor College of Medicine
Classification: Uncertain significance for MELAS syndrome. Last evaluated: 2019-07-12. Review status: criteria provided, single submitter. Criteria: Modified ACMG Guidelines (Unpublished). Collection method: clinical testing. Allele origin: germline.
Comment: The NC_012920.1:m.15897G>A variant in MT-TT gene is interpreted to be a Unknown Significance variant based on the modified ACMG guidelines (unpublished). This variant meets the following evidence codes reported in the guidelines: PM7, PP6, PP7

Literature cited by the submitters: PubMed 31965079.